The following is an entry in ClinVar:

ClinVar aggregate classification (germline): Likely benign (1 of 4 stars; one submission).

Conditions:
Familial colorectal cancer type X. Identifiers: Orphanet 440437, MedGen C3896578, MONDO:0018604.

Submission:

Myriad Genetics, Inc.
Classification: Likely benign for Familial colorectal cancer type X. Last evaluated: 2026-07-31. Review status: criteria provided, single submitter. Criteria: Myriad Autosomal Dominant, Autosomal Recessive and X-Linked Classification Criteria (2023). Collection method: clinical testing. Allele origin: unknown.
Comment: This variant is considered likely benign. This variant is intronic and is not expected to impact mRNA splicing.

NM_001146227.3(RPS20):c.334-15A>G

Gene: RPS20 (ribosomal protein S20; minus strand). Cytogenetic location: 8q12.1.
Variant type: single nucleotide variant.
Coding change: c.334-15A>G on transcript NM_001146227.3; 15 bases into the intron before coding-DNA position 334, A replaced by G.
Molecular consequence: intron variant.
Genome position (GRCh38, 1-based): chr8:56,069,848, T>C on the plus strand (A>G on the coding strand, the complement: RPS20 is on the minus strand). VCF-style: chr8-56069848-T-C. GRCh37 (hg19) VCF-style: chr8-56982407-T-C.
Identifiers: ClinVar variation 5042152 (VCV005042152.1).